The following is an entry in ClinVar:

ClinVar aggregate classification (germline): Uncertain significance. Review status: criteria provided, multiple submitters, no conflicts (2 of 4 stars). 4 submissions from 4 submitters: Uncertain significance (4). Last evaluated 2025-06-07.

Conditions:
Catecholaminergic polymorphic ventricular tachycardia 1. Also called: RYR2-Related Catecholaminergic Polymorphic Ventricular Tachycardia; VENTRICULAR TACHYCARDIA, STRESS-INDUCED POLYMORPHIC 1; VENTRICULAR TACHYCARDIA, CATECHOLAMINERGIC POLYMORPHIC, 1, WITH OR WITHOUT ATRIAL DYSFUNCTION AND/OR DILATED CARDIOMYOPATHY. Identifiers: Orphanet 3286, MedGen C1631597, MONDO:0011484, OMIM 604772.
Cardiovascular phenotype. Identifiers: MedGen CN230736.

Allele frequency attached by ClinVar (database versions not stated): gnomAD 0.00002 and 0.00003; gnomAD exomes 0.00003 and 0.00004; ExAC 0.00004; TOPMed 0.00004.
gnomAD v4.1: 56 of 1,610,408 alleles (0.0035%); highest among the groups gnomAD compares: Middle Eastern, 0.099%; no homozygotes.

Submissions (4):

Ambry Genetics
Classification: Uncertain significance for Cardiovascular phenotype. Last evaluated: 2025-06-07. Review status: criteria provided, single submitter. Criteria: Ambry Variant Classification Scheme 2023. Collection method: clinical testing. Allele origin: germline.
Comment: The p.P578Q variant (also known as c.1733C>A), located in coding exon 31 of the TRDN gene, results from a C to A substitution at nucleotide position 1733. The proline at codon 578 is replaced by glutamine, an amino acid with similar properties. This amino acid position is well conserved in available vertebrate species; however, glutamine is the reference amino acid in other vertebrate species. In addition, this alteration is predicted to be tolerated by in silico analysis. Since supporting evidence is limited at this time, the clinical significance of this alteration remains unclear.

CeGaT Center for Human Genetics Tuebingen
Classification: Uncertain significance. Last evaluated: 2025-06-01. Review status: criteria provided, single submitter. Criteria: CeGaT Center For Human Genetics Tuebingen Variant Classification Criteria Version 2. Collection method: clinical testing. Allele origin: germline. Affected: yes. Observed: 1 variant allele.
Comment: TRDN: PM2, BP4

Women's Health and Genetics/Laboratory Corporation of America, LabCorp
Classification: Uncertain significance. Last evaluated: 2025-02-10. Review status: criteria provided, single submitter. Criteria: LabCorp Variant Classification Summary - May 2015. Collection method: clinical testing. Allele origin: germline.

Labcorp Genetics (formerly Invitae), Labcorp
Classification: Uncertain significance for Catecholaminergic polymorphic ventricular tachycardia 1. Last evaluated: 2022-07-26. Review status: criteria provided, single submitter. Criteria: Invitae Variant Classification Sherloc (09022015). Collection method: clinical testing. Allele origin: germline.
Comment: This sequence change replaces proline, which is neutral and non-polar, with glutamine, which is neutral and polar, at codon 578 of the TRDN protein (p.Pro578Gln). This variant is present in population databases (rs761240477, gnomAD 0.007%). This variant has not been reported in the literature in individuals affected with TRDN-related conditions. ClinVar contains an entry for this variant (Variation ID: 532338). Algorithms developed to predict the effect of missense changes on protein structure and function output the following: SIFT: "Deleterious"; PolyPhen-2: "Benign"; Align-GVGD: "Class C0". The glutamine amino acid residue is found in multiple mammalian species, which suggests that this missense change does not adversely affect protein function. In summary, the available evidence is currently insufficient to determine the role of this variant in disease. Therefore, it has been classified as a Variant of Uncertain Significance.

NM_006073.4(TRDN):c.1733C>A (p.Pro578Gln)

Gene: TRDN (triadin; minus strand). Cytogenetic location: 6q22.31.
Variant type: single nucleotide variant.
Coding change: c.1733C>A on transcript NM_006073.4 (MANE Select); coding-DNA position 1733, C replaced by A.
Protein change: p.Pro578Gln; replaces proline 578 with glutamine.
Molecular consequence: missense variant.
Genome position (GRCh38, 1-based): chr6:123,269,854, G>T on the plus strand (C>A on the coding strand, the complement: TRDN is on the minus strand). VCF-style: chr6-123269854-G-T. GRCh37 (hg19) VCF-style: chr6-123590999-G-T.
Other names: short protein forms P578Q.
Identifiers: ClinVar variation 532338 (VCV000532338.21), dbSNP rs761240477, ClinGen allele CA3983786.